The following is an entry in ClinVar:

ClinVar aggregate classification (germline): Uncertain significance (1 of 4 stars; one submission).

Conditions:
Dilated cardiomyopathy 1JJ (CMD1JJ). Identifiers: Orphanet 154, MedGen C3808935, MONDO:0014095, OMIM 615235.

Allele frequency attached by ClinVar (database versions not stated): gnomAD exomes below 0.00001.

Submission:

Labcorp Genetics (formerly Invitae), Labcorp
Classification: Uncertain significance for Dilated cardiomyopathy 1JJ. Last evaluated: 2021-05-31. Review status: criteria provided, single submitter. Criteria: Invitae Variant Classification Sherloc (09022015). Collection method: clinical testing. Allele origin: germline.
Comment: This sequence change falls in intron 12 of the LAMA4 gene. It does not directly change the encoded amino acid sequence of the LAMA4 protein. It affects a nucleotide within the consensus splice site of the intron. This variant is not present in population databases (ExAC no frequency). This variant has not been reported in the literature in individuals with LAMA4-related conditions. Nucleotide substitutions within the consensus splice site are a relatively common cause of aberrant splicing (PMID: 17576681, 9536098). Algorithms developed to predict the effect of sequence changes on RNA splicing suggest that this variant may disrupt the consensus splice site, but this prediction has not been confirmed by published transcriptional studies. In summary, the available evidence is currently insufficient to determine the role of this variant in disease. Therefore, it has been classified as a Variant of Uncertain Significance.

Literature cited by the submitters: PubMed 17576681; PubMed 9536098.

NM_001105206.3(LAMA4):c.1536_1551+2dup

Gene: LAMA4 (laminin subunit alpha 4; minus strand). Cytogenetic location: 6q21.
Variant type: Duplication.
Coding change: c.1536_1551+2dup on transcript NM_001105206.3 (MANE Select); coding-DNA position 1536 through the canonical splice donor site of the intron after coding-DNA position 1551, 18 bases duplicated (GCAGCGGGACCATGAGGT).
Molecular consequence: splice donor variant.
Genome position (GRCh38, 1-based): chr6:112,172,609-112,172,626, ACCTCATGGTCCCGCTGC duplicated on the plus strand (GCAGCGGGACCATGAGGT on the coding strand, the reverse complement: LAMA4 is on the minus strand). VCF-style (leftmost placement, unchanged base first): chr6-112172608-T-TACCTCATGGTCCCGCTGC. GRCh37 (hg19) VCF-style: chr6-112493810-T-TACCTCATGGTCCCGCTGC.
Other names: c.1515_1530+2dup (NM_002290.5, NM_001105207.3).
Identifiers: ClinVar variation 1436291 (VCV001436291.6), dbSNP rs2114866555, ClinGen allele CA2573140380.